The following is an entry in ClinVar:

ClinVar aggregate classification (germline): Uncertain significance (1 of 4 stars; one submission).

Submission:

Dasa
Classification: Uncertain significance. Last evaluated: 2025-07-04. Review status: criteria provided, single submitter. Criteria: DASA Assertion Criteria. Collection method: clinical testing. Allele origin: germline.
Comment: NM_000829.4(GRIA4):c.1010C>T (p.Ala337Val) is a missense variant that results in the substitution of alanine with valine. This variant is rare in population databases. Computational prediction algorithms are consistent with a benign effect. The currently available literature and clinical evidence are not sufficient to establish a definitive association between this variant and the reported condition. Therefore, this variant is classified as a variant of uncertain significance.

NM_000829.4(GRIA4):c.1010C>T (p.Ala337Val)

Gene: GRIA4 (glutamate ionotropic receptor AMPA type subunit 4; plus strand). Cytogenetic location: 11q22.3.
Variant type: single nucleotide variant.
Coding change: c.1010C>T on transcript NM_000829.4 (MANE Select); coding-DNA position 1010, C replaced by T.
Protein change: p.Ala337Val; replaces alanine 337 with valine.
Molecular consequence: missense variant. On other transcripts: non-coding transcript variant (1).
Genome position (GRCh38, 1-based): chr11:105,903,938, C>T. VCF-style: chr11-105903938-C-T. GRCh37 (hg19) VCF-style: chr11-105774664-C-T.
Other names: c.1010C>T, p.Ala337Val (NM_001077243.3, NM_001077244.2, NM_001112812.2 and 20 more transcripts); short protein forms A337V.
Identifiers: ClinVar variation 4882670 (VCV004882670.2).